The following is an entry in ClinVar:

ClinVar aggregate classification (germline): Conflicting classifications of pathogenicity. Review status: criteria provided, conflicting classifications (1 of 4 stars). 4 submissions from 4 submitters: Uncertain significance (1); Likely benign (2). 1 of the submissions does not count toward it. Last evaluated 2025-03-28.

Conditions:
COL11A1-related disorder. Also called: COL11A1-related condition; COL11A1-related disorders.

Allele frequency attached by ClinVar (database versions not stated): TOPMed 0.00001; gnomAD 0.00002 and 0.00003; ExAC 0.00003; gnomAD exomes 0.00004; ESP Exome Variant Server 0.00008.
gnomAD v4.1: 30 of 1,613,672 alleles (0.0019%); highest among the groups gnomAD compares: East Asian, 0.02%; no homozygotes.

Submissions (4):

Labcorp Genetics (formerly Invitae), Labcorp
Classification: Likely benign. Last evaluated: 2025-03-28. Review status: criteria provided, single submitter. Criteria: Invitae Variant Classification Sherloc (09022015). Collection method: clinical testing. Allele origin: germline.

Blueprint Genetics
Classification: Likely benign. Last evaluated: 2020-02-20. Review status: criteria provided, single submitter. Criteria: ACMG Guidelines, 2015. Collection method: clinical testing. Allele origin: germline.

CeGaT Center for Human Genetics Tuebingen
Classification: Uncertain significance. Last evaluated: 2017-03-01. Review status: criteria provided, single submitter. Criteria: CeGaT Center For Human Genetics Tuebingen Variant Classification Criteria Version 2. Collection method: clinical testing. Allele origin: germline. Affected: yes. Observed: 1 variant allele.

PreventionGenetics, part of Exact Sciences
Classification: Likely benign for COL11A1-related condition. Last evaluated: 2022-08-18. Review status: no assertion criteria provided. Collection method: clinical testing. Allele origin: germline. Not counted in ClinVar's aggregate classification.
Comment: This variant is classified as likely benign based on ACMG/AMP sequence variant interpretation guidelines (Richards et al. 2015 PMID: 25741868, with internal and published modifications).

NM_001854.4(COL11A1):c.3357C>T (p.Ala1119=)

Gene: COL11A1 (collagen type XI alpha 1 chain; minus strand). Cytogenetic location: 1p21.1.
Variant type: single nucleotide variant.
Coding change: c.3357C>T on transcript NM_001854.4 (MANE Select); coding-DNA position 3357, C replaced by T.
Protein change: p.Ala1119=; no amino-acid change (alanine 1119 retained).
Molecular consequence: synonymous variant. On other transcripts: non-coding transcript variant (1).
Genome position (GRCh38, 1-based): chr1:102,940,354, G>A on the plus strand (C>T on the coding strand, the complement: COL11A1 is on the minus strand). VCF-style: chr1-102940354-G-A. GRCh37 (hg19) VCF-style: chr1-103405910-G-A.
Other names: c.3240C>T, p.Ala1080= (NM_001190709.2); c.3393C>T, p.Ala1131= (NM_080629.3); c.3009C>T, p.Ala1003= (NM_080630.4); c.3357C>T (NM_001854.3).
Identifiers: ClinVar variation 444174 (VCV000444174.50), dbSNP rs375400337, ClinGen allele CA974056.